The following is an entry in ClinVar:

NM_004006.3(DMD):c.4495C>T (p.Gln1499Ter)

Gene: DMD (dystrophin; minus strand). Cytogenetic location: Xp21.1.
Variant type: single nucleotide variant.
Coding change: c.4495C>T on transcript NM_004006.3 (MANE Select); coding-DNA position 4495, C replaced by T.
Protein change: p.Gln1499Ter; replaces glutamine 1499 with a stop codon.
Molecular consequence: nonsense.
Genome position (GRCh38, 1-based): chrX:32,389,524, G>A on the plus strand (C>T on the coding strand, the complement: DMD is on the minus strand). VCF-style: chrX-32389524-G-A. GRCh37 (hg19) VCF-style: chrX-32407641-G-A.
Other names: c.4471C>T, p.Gln1491Ter (NM_000109.4); c.4483C>T, p.Gln1495Ter (NM_004009.3); c.4126C>T, p.Gln1376Ter (NM_004010.3); c.472C>T, p.Gln158Ter (NM_004011.4); c.463C>T, p.Gln155Ter (NM_004012.4); short protein forms Q1499*, Q1491*, Q1495*, Q1376*, Q155*, Q158*.
Identifiers: ClinVar variation 499729 (VCV000499729.9), dbSNP rs755686224, ClinGen allele CA10378944.

ClinVar aggregate classification (germline): Pathogenic. Review status: criteria provided, multiple submitters, no conflicts (2 of 4 stars). 3 submissions from 3 submitters: Pathogenic (3). Last evaluated 2025-08-23.

Conditions:
Duchenne muscular dystrophy (DMD). Also called: MUSCULAR DYSTROPHY, PSEUDOHYPERTROPHIC PROGRESSIVE, DUCHENNE TYPE; Duchenne Muscular Dystrophy (DMD). Identifiers: Orphanet 98896, MedGen C0013264, MONDO:0010679, OMIM 310200.

Allele frequency attached by ClinVar (database versions not stated): ExAC below 0.00001.

Submissions (3):

Labcorp Genetics (formerly Invitae), Labcorp
Classification: Pathogenic for Duchenne muscular dystrophy. Last evaluated: 2025-08-23. Review status: criteria provided, single submitter. Criteria: Invitae Variant Classification Sherloc (09022015). Collection method: clinical testing. Allele origin: germline.
Comment: This sequence change creates a premature translational stop signal (p.Gln1499*) in the DMD gene. It is expected to result in an absent or disrupted protein product. Loss-of-function variants in DMD are known to be pathogenic (PMID: 16770791, 25007885). This variant is not present in population databases (gnomAD no frequency). This premature translational stop signal has been observed in individuals with Duchenne or Becker muscular dystrophy (PMID: 25972034, 32358784). ClinVar contains an entry for this variant (Variation ID: 499729). Algorithms developed to predict the effect of sequence changes on RNA splicing suggest that this variant may disrupt the consensus splice site. For these reasons, this variant has been classified as Pathogenic.

GeneDx
Classification: Pathogenic. Last evaluated: 2023-07-06. Review status: criteria provided, single submitter. Criteria: GeneDx Variant Classification Process June 2021. Collection method: clinical testing. Allele origin: germline. Affected: yes.
Comment: Nonsense variant predicted to result in protein truncation or nonsense mediated decay in a gene for which loss of function is a known mechanism of disease; Not observed at significant frequency in large population cohorts (gnomAD); Based on the understanding of this genetic alteration, it may be amenable to nonsense read-through therapy that is currently available or in clinical trial; This variant is associated with the following publications: (PMID: 25972034, 32358784, 28859693, 33644936)

Eurofins Ntd Llc (ga)
Classification: Pathogenic. Last evaluated: 2017-01-10. Review status: criteria provided, single submitter. Criteria: EGL Classification Definitions 2015. Collection method: clinical testing. Allele origin: germline. Observed: 2 variant alleles, 2 hemizygotes.

Literature cited by the submitters: PubMed 16770791 (cited by Labcorp Genetics (formerly Invitae), Labcorp); PubMed 25007885 (cited by Labcorp Genetics (formerly Invitae), Labcorp); PubMed 25972034 (cited by Labcorp Genetics (formerly Invitae), Labcorp and Eurofins Ntd Llc (ga)); PubMed 32358784 (cited by Labcorp Genetics (formerly Invitae), Labcorp).